The following is an entry in ClinVar:

NM_004369.4(COL6A3):c.1989G>C (p.Met663Ile)

Gene: COL6A3 (collagen type VI alpha 3 chain; minus strand). Cytogenetic location: 2q37.3.
Variant type: single nucleotide variant.
Coding change: c.1989G>C on transcript NM_004369.4 (MANE Select); coding-DNA position 1989, G replaced by C.
Protein change: p.Met663Ile; replaces methionine 663 with isoleucine.
Molecular consequence: missense variant. On other transcripts: intron variant (1).
Genome position (GRCh38, 1-based): chr2:237,379,144, C>G on the plus strand (G>C on the coding strand, the complement: COL6A3 is on the minus strand). VCF-style: chr2-237379144-C-G. GRCh37 (hg19) VCF-style: chr2-238287787-C-G.
Other names: c.768G>C, p.Met256Ile (NM_057164.5); c.1371G>C, p.Met457Ile (NM_057165.5, NM_057167.4); c.676+1771G>C (NM_057166.5); short protein forms M663I, M256I, M457I.
Identifiers: ClinVar variation 2842242 (VCV002842242.3), dbSNP rs2469921200, ClinGen allele CA351215054.

ClinVar aggregate classification (germline): Uncertain significance (1 of 4 stars; one submission).

Conditions:
Bethlem myopathy 1A. Also called: Bethlem myopathy 1; MYOPATHY, BENIGN CONGENITAL, WITH CONTRACTURES; Bethlem Muscular Dystrophy. Identifiers: Orphanet 610, MedGen CN029274, MONDO:0024530, OMIM 158810.

Submission:

Labcorp Genetics (formerly Invitae), Labcorp
Classification: Uncertain significance for Bethlem myopathy 1A. Last evaluated: 2023-03-10. Review status: criteria provided, single submitter. Criteria: Invitae Variant Classification Sherloc (09022015). Collection method: clinical testing. Allele origin: germline.
Comment: Advanced modeling of protein sequence and biophysical properties (such as structural, functional, and spatial information, amino acid conservation, physicochemical variation, residue mobility, and thermodynamic stability) performed at Invitae indicates that this missense variant is not expected to disrupt COL6A3 protein function. In summary, the available evidence is currently insufficient to determine the role of this variant in disease. Therefore, it has been classified as a Variant of Uncertain Significance. This variant has not been reported in the literature in individuals affected with COL6A3-related conditions. This variant is not present in population databases (gnomAD no frequency). This sequence change replaces methionine, which is neutral and non-polar, with isoleucine, which is neutral and non-polar, at codon 663 of the COL6A3 protein (p.Met663Ile).